The following is an entry in ClinVar:

NM_198578.4(LRRK2):c.7225T>A (p.Ser2409Thr)

Gene: LRRK2 (leucine rich repeat kinase 2; plus strand). Cytogenetic location: 12q12.
Variant type: single nucleotide variant.
Coding change: c.7225T>A on transcript NM_198578.4 (MANE Select); coding-DNA position 7225, T replaced by A.
Protein change: p.Ser2409Thr; replaces serine 2409 with threonine.
Molecular consequence: missense variant.
Genome position (GRCh38, 1-based): chr12:40,364,885, T>A. VCF-style: chr12-40364885-T-A. GRCh37 (hg19) VCF-style: chr12-40758687-T-A.
Other names: short protein forms S2409T.
Identifiers: ClinVar variation 1757780 (VCV001757780.2), dbSNP rs1481581956, ClinGen allele CA384414639.
Genomic context (GRCh38, chr12:40,364,885, plus strand): 5'-ATACTTTATGGTTCTAGGGAGGTAATGGTAAAAGAAAACAAGGAATCAAAACACAAAATG[T>A]CTTATTCTGGGAGAGTGAAAACCCTCTGCCTTCAGAAGAACACTGCTCTTTGGATAGGAA-3'
Protein context (NP_940980.4, residues 2399-2419): KENKESKHKM[Ser2409Thr]YSGRVKTLCL

ClinVar aggregate classification (germline): Uncertain significance (1 of 4 stars; one submission).

Conditions:
Inborn genetic diseases. Identifiers: MedGen C0950123, MeSH D030342.

gnomAD v4.1: 1 of 1,612,258 alleles (0.000062%); highest among the groups gnomAD compares: African/African-American, 0.0013%; no homozygotes.

Submission:

Ambry Genetics
Classification: Uncertain significance for Inborn genetic diseases. Last evaluated: 2021-10-01. Review status: criteria provided, single submitter. Criteria: Ambry Variant Classification Scheme 2023. Collection method: clinical testing. Allele origin: germline.
Comment: The p.S2409T variant (also known as c.7225T>A), located in coding exon 49 of the LRRK2 gene, results from a T to A substitution at nucleotide position 7225. The serine at codon 2409 is replaced by threonine, an amino acid with similar properties. This amino acid position is conserved. In addition, this alteration is predicted to be tolerated by in silico analysis. Since supporting evidence is limited at this time, the clinical significance of this alteration remains unclear.